The following is an entry in ClinVar:

ClinVar aggregate classification (germline): Pathogenic (1 of 4 stars; one submission).

Submission:

Labcorp Genetics (formerly Invitae), Labcorp
Classification: Pathogenic. Last evaluated: 2023-12-12. Review status: criteria provided, single submitter. Criteria: Invitae Variant Classification Sherloc (09022015). Collection method: clinical testing. Allele origin: germline.
Comment: This sequence change creates a premature translational stop signal (p.Asp404Thrfs*2) in the FMO3 gene. While this is not anticipated to result in nonsense mediated decay, it is expected to disrupt the last 129 amino acid(s) of the FMO3 protein. This variant is not present in population databases (gnomAD no frequency). This variant has not been reported in the literature in individuals affected with FMO3-related conditions. This variant disrupts a region of the FMO3 protein in which other variant(s) (p.Arg500*) have been determined to be pathogenic (PMID: 16858129, 16996766). This suggests that this is a clinically significant region of the protein, and that variants that disrupt it are likely to be disease-causing. For these reasons, this variant has been classified as Pathogenic.

Literature cited by the submitters: PubMed 16858129; PubMed 16996766.

NM_001002294.3(FMO3):c.1210del (p.Asp404fs)

Gene: FMO3 (flavin containing dimethylaniline monoxygenase 3; plus strand). Cytogenetic location: 1q24.3.
Variant type: Deletion.
Coding change: c.1210del on transcript NM_001002294.3 (MANE Select); coding-DNA position 1210, one base deleted (G; older notation c.1210delG).
Protein change: p.Asp404fs; shifts the reading frame from aspartic acid 404.
Molecular consequence: frameshift variant.
Genome position (GRCh38, 1-based): chr1:171,116,234, G deleted. VCF-style (leftmost placement, unchanged base first): chr1-171116233-AG-A. GRCh37 (hg19) VCF-style: chr1-171085373-AG-A.
Other names: c.1150del, p.Asp384fs (NM_001319173.2); c.1021del, p.Asp341fs (NM_001319174.2); c.1210del, p.Asp404fs (NM_006894.6); short protein forms D341fs, D404fs, D384fs.
Identifiers: ClinVar variation 2702541 (VCV002702541.3), dbSNP rs2526362421, ClinGen allele CA2697554661.
Genomic context (GRCh38, chr1:171,116,233, plus strand): 5'-CATTAATTACCATCGTGTCTTTCCTTCTTTATCAGGAACTTGTACTTTGCCTTCTATGGA[AG>A]ACATGATGAATGATATTAATGAGAAAATGGAGAAAAAGCGCAAATGGTAAGAGTACCTAT-3'